The following is an entry in ClinVar:

NM_001369.3(DNAH5):c.10555G>C (p.Gly3519Arg)

Gene: DNAH5 (dynein axonemal heavy chain 5; minus strand). Cytogenetic location: 5p15.2.
Variant type: single nucleotide variant.
Coding change: c.10555G>C on transcript NM_001369.3 (MANE Select); coding-DNA position 10555, G replaced by C.
Protein change: p.Gly3519Arg; replaces glycine 3519 with arginine.
Molecular consequence: missense variant.
Genome position (GRCh38, 1-based): chr5:13,754,203, C>G on the plus strand (G>C on the coding strand, the complement: DNAH5 is on the minus strand). VCF-style: chr5-13754203-C-G. GRCh37 (hg19) VCF-style: chr5-13754312-C-G.
Other names: short protein forms G3519R.
Identifiers: ClinVar variation 6478 (VCV000006478.10), dbSNP rs79967166, ClinGen allele CA253865.

ClinVar aggregate classification (germline): Conflicting classifications of pathogenicity. Review status: criteria provided, conflicting classifications (1 of 4 stars). 3 submissions from 3 submitters: Likely pathogenic (1); Uncertain significance (1). 1 of the submissions does not count toward it. Last evaluated 2026-08-04.

Conditions:
Primary ciliary dyskinesia. Also called: Ciliary dyskinesia. Identifiers: Orphanet 244, MedGen C0008780, MONDO:0016575, HP:0012265.
Primary ciliary dyskinesia 3. Identifiers: Orphanet 244, MedGen C1837618, MONDO:0012085, OMIM 608644.

Submissions (3):

Myriad Genetics, Inc.
Classification: Uncertain significance for Primary ciliary dyskinesia 3. Last evaluated: 2026-08-04. Review status: criteria provided, single submitter. Criteria: Myriad Autosomal Dominant, Autosomal Recessive and X-Linked Classification Criteria (2023). Collection method: clinical testing. Allele origin: unknown.
Comment: NM_001369.2(DNAH5):c.10555G>C(G3519R) is a missense variant classified as a variant of uncertain significance in the context of primary ciliary dyskinesia, DNAH5-related. G3519R has been observed in a case with relevant disease (PMID: 11788826). Relevant functional assessments of this variant are not available in the literature. G3519R has not been observed in referenced population frequency databases. In summary, there is insufficient evidence to classify NM_001369.2(DNAH5):c.10555G>C(G3519R) as pathogenic or benign. Please note: this variant was assessed in the context of healthy population screening.

Labcorp Genetics (formerly Invitae), Labcorp
Classification: Likely pathogenic for Primary ciliary dyskinesia. Last evaluated: 2021-05-13. Review status: criteria provided, single submitter. Criteria: Invitae Variant Classification Sherloc (09022015). Collection method: clinical testing. Allele origin: germline.
Comment: This sequence change replaces glycine with arginine at codon 3519 of the DNAH5 protein (p.Gly3519Arg). The glycine residue is highly conserved and there is a moderate physicochemical difference between glycine and arginine. This variant also falls at the last nucleotide of exon 62, which is part of the consensus splice site for this exon. This variant is not present in population databases (ExAC no frequency). This variant has been observed in individual(s) with primary ciliary dyskinesia (PMID: 11788826). ClinVar contains an entry for this variant (Variation ID: 6478). Algorithms developed to predict the effect of missense changes on protein structure and function are either unavailable or do not agree on the potential impact of this missense change (SIFT: "Deleterious"; PolyPhen-2: "Probably Damaging"; Align-GVGD: "Class C15"). Nucleotide substitutions within the consensus splice site are a relatively common cause of aberrant splicing (PMID: 17576681, 9536098). Algorithms developed to predict the effect of sequence changes on RNA splicing suggest that this variant may disrupt the consensus splice site, but this prediction has not been confirmed by published transcriptional studies. In summary, the currently available evidence indicates that the variant is pathogenic, but additional data are needed to prove that conclusively. Therefore, this variant has been classified as Likely Pathogenic.

OMIM
Classification: Pathogenic for CILIARY DYSKINESIA, PRIMARY, 3. Last evaluated: 2002-02-01. Review status: no assertion criteria provided. Collection method: literature only. Allele origin: germline. Not counted in ClinVar's aggregate classification.

Literature cited by the submitters: PubMed 11788826 (cited by 3 submitters); PubMed 17576681 (cited by Labcorp Genetics (formerly Invitae), Labcorp); PubMed 9536098 (cited by Labcorp Genetics (formerly Invitae), Labcorp).